The following is an entry in ClinVar:

ClinVar aggregate classification (germline): Conflicting classifications of pathogenicity. Review status: criteria provided, conflicting classifications (1 of 4 stars). 7 submissions from 7 submitters: Uncertain significance (1); Likely benign (6). Last evaluated 2026-03-25.

Conditions:
RYR1-related disorder. Also called: RYR1-related condition; RYR1-related disorders. Identifiers: MedGen CN239331.
Malignant hyperthermia, susceptibility to, 1 (MHS1). Also called: Anesthesia related hyperthermia; Malignant hyperpyrexia; Fulminating hyperpyrexia; Pharmacogenic myopathy; RYR1-Related Malignant Hyperthermia Susceptibility; Malignant hyperthermia suceptibility 1. Identifiers: Orphanet 423, MedGen C2930980, MONDO:0007783, OMIM 145600.

Allele frequency attached by ClinVar (database versions not stated): ExAC 0.00002; gnomAD 0.00003 and 0.00004; TOPMed 0.00003; gnomAD exomes 0.00005; ESP Exome Variant Server 0.00008.
gnomAD v4.1: 34 of 1,613,984 alleles (0.0021%); highest among the groups gnomAD compares: Admixed American, 0.013%; no homozygotes.

Submissions (7):

PreventionGenetics, part of Exact Sciences
Classification: Likely benign for RYR1-related condition. Last evaluated: 2026-03-25. Review status: criteria provided, single submitter. Criteria: ACMG Guidelines, 2015. Collection method: clinical testing. Allele origin: germline.
Comment: This variant is classified as likely benign based on ACMG/AMP sequence variant interpretation guidelines (Richards et al. 2015 PMID: 25741868, with internal and published modifications).

Labcorp Genetics (formerly Invitae), Labcorp
Classification: Likely benign for RYR1-related disorder. Last evaluated: 2025-10-21. Review status: criteria provided, single submitter. Criteria: Invitae Variant Classification Sherloc (09022015). Collection method: clinical testing. Allele origin: germline.

ARUP Laboratories, Molecular Genetics and Genomics, ARUP Laboratories
Classification: Likely benign. Last evaluated: 2024-03-22. Review status: criteria provided, single submitter. Criteria: ARUP Molecular Germline Variant Investigation Process 2024. Collection method: clinical testing. Allele origin: germline.

CeGaT Center for Human Genetics Tuebingen
Classification: Likely benign. Last evaluated: 2023-01-01. Review status: criteria provided, single submitter. Criteria: CeGaT Center For Human Genetics Tuebingen Variant Classification Criteria Version 2. Collection method: clinical testing. Allele origin: germline. Affected: yes. Observed: 2 variant alleles.
Comment: RYR1: BP4, BP7

Color Diagnostics, LLC DBA Color Health
Classification: Likely benign for Malignant hyperthermia, susceptibility to, 1. Last evaluated: 2022-11-06. Review status: criteria provided, single submitter. Criteria: ACMG Guidelines, 2015. Collection method: clinical testing. Allele origin: germline.

GeneDx
Classification: Likely benign. Last evaluated: 2019-09-03. Review status: criteria provided, single submitter. Criteria: GeneDx Variant Classification Process June 2021. Collection method: clinical testing. Allele origin: germline. Affected: yes.

Eurofins Ntd Llc (ga)
Classification: Uncertain significance. Last evaluated: 2015-06-04. Review status: criteria provided, single submitter. Criteria: EGL Classification Definitions 2015. Collection method: clinical testing. Allele origin: germline. Observed: 1 variant allele, 1 heterozygote.

NM_000540.3(RYR1):c.10917G>A (p.Thr3639=)

Gene: RYR1 (ryanodine receptor 1; plus strand). Cytogenetic location: 19q13.2.
Variant type: single nucleotide variant.
Coding change: c.10917G>A on transcript NM_000540.3 (MANE Select); coding-DNA position 10917, G replaced by A.
Protein change: p.Thr3639=; no amino-acid change (threonine 3639 retained).
Molecular consequence: synonymous variant.
Genome position (GRCh38, 1-based): chr19:38,528,398, G>A. VCF-style: chr19-38528398-G-A. GRCh37 (hg19) VCF-style: chr19-39019038-G-A.
Other names: c.10902G>A, p.Thr3634= (NM_001042723.2).
Identifiers: ClinVar variation 198658 (VCV000198658.57), dbSNP rs371952058, ClinGen allele CA023870.